The following is an entry in ClinVar:

NM_002496.4(NDUFS8):c.460G>A (p.Gly154Ser)

Gene: NDUFS8 (NADH:ubiquinone oxidoreductase core subunit S8; plus strand). Cytogenetic location: 11q13.2.
Variant type: single nucleotide variant.
Coding change: c.460G>A on transcript NM_002496.4 (MANE Select); coding-DNA position 460, G replaced by A.
Protein change: p.Gly154Ser; replaces glycine 154 with serine.
Molecular consequence: missense variant.
Genome position (GRCh38, 1-based): chr11:68,036,340, G>A. VCF-style: chr11-68036340-G-A. GRCh37 (hg19) VCF-style: chr11-67803807-G-A.
Other names: short protein forms G154S.
Identifiers: ClinVar variation 446006 (VCV000446006.9), dbSNP rs143337739, ClinGen allele CA224194909.

ClinVar aggregate classification (germline): Conflicting classifications of pathogenicity. Review status: criteria provided, conflicting classifications (1 of 4 stars). 6 submissions from 6 submitters: Likely pathogenic (3); Uncertain significance (2). 1 of the submissions does not count toward it. Last evaluated 2025-10-13.

Conditions:
Mitochondrial complex I deficiency, nuclear type 2. Also called: Mitochondrial complex 1 deficiency, nuclear type 2. Identifiers: MedGen C4748737, MONDO:0032606, OMIM 618222.

Allele frequency attached by ClinVar (database versions not stated): ESP Exome Variant Server 0.00008; gnomAD 0.00001; gnomAD exomes below 0.00001; TOPMed 0.00002.
gnomAD v4.1: 6 of 1,613,680 alleles (0.00037%); highest among the groups gnomAD compares: Admixed American, 0.0017%; no homozygotes.

Submissions (6):

Women's Health and Genetics/Laboratory Corporation of America, LabCorp
Classification: Likely pathogenic for Mitochondrial complex I deficiency, nuclear type 2. Last evaluated: 2025-10-13. Review status: criteria provided, single submitter. Criteria: LabCorp Variant Classification Summary - May 2015. Collection method: clinical testing. Allele origin: germline.
Comment: Variant summary: NDUFS8 c.460G>A (p.Gly154Ser) results in a non-conservative amino acid change in the encoded protein sequence. Algorithms developed to predict the effect of missense changes on protein structure and function all suggest that this variant is likely to be disruptive. The variant was absent in 250226 control chromosomes (gnomAD). c.460G>A has been observed in individuals affected with Mitochondrial Complex 1 Deficiency, Nuclear Type 2 (Calvo_2010). These data indicate that the variant is likely to be associated with disease. To our knowledge, no experimental evidence demonstrating an impact on protein function has been reported. The following publications have been ascertained in the context of this evaluation (PMID: 20818383, 32235386). ClinVar contains an entry for this variant (Variation ID: 446006). Based on the evidence outlined above, the variant was classified as likely pathogenic.

GeneDx
Classification: Likely pathogenic. Last evaluated: 2024-11-12. Review status: criteria provided, single submitter. Criteria: GeneDx Variant Classification Process June 2021. Collection method: clinical testing. Allele origin: germline. Affected: yes.
Comment: Not observed at significant frequency in large population cohorts (gnomAD); In silico analysis supports that this missense variant has a deleterious effect on protein structure/function; This variant is associated with the following publications: (PMID: 22142868, 33233646, 36557887, 36074903, 36101822, 20818383, 23430795)

Blueprint Genetics
Classification: Uncertain significance. Last evaluated: 2019-08-27. Review status: criteria provided, single submitter. Criteria: ACMG Guidelines, 2015. Collection method: clinical testing. Allele origin: germline.

Center for Pediatric Genomic Medicine, Children's Mercy Hospital and Clinics
Classification: Uncertain significance. Last evaluated: 2017-08-24. Review status: criteria provided, single submitter. Criteria: ACMG Guidelines, 2015. Collection method: clinical testing. Allele origin: germline.

Clinical Genetics Service, Universitary Hospital 12 de Octubre
Classification: Likely pathogenic for Mitochondrial complex I deficiency, nuclear type 2. Review status: criteria provided, single submitter. Criteria: ACMG Guidelines, 2015. Collection method: clinical testing. Allele origin: germline. Affected: yes.

Biochemical Molecular Genetic Laboratory, King Abdulaziz Medical City
Classification: Likely pathogenic for Mitochondrial complex I deficiency, nuclear type 2. Last evaluated: 2020-02-05. Review status: no assertion criteria provided. Collection method: clinical testing. Allele origin: germline. Affected: yes. Not counted in ClinVar's aggregate classification.

Literature cited by the submitters: PubMed 20818383 (cited by Women's Health and Genetics/Laboratory Corporation of America, LabCorp); PubMed 32235386 (cited by Women's Health and Genetics/Laboratory Corporation of America, LabCorp).